The following is an entry in ClinVar:

ClinVar aggregate classification (germline): Uncertain significance (1 of 4 stars; one submission).

Conditions:
SIM1-related disorder. Also called: SIM1-related disorders; SIM1-related condition.

Submission:

PreventionGenetics, part of Exact Sciences
Classification: Uncertain significance for SIM1-related condition. Last evaluated: 2024-12-03. Review status: criteria provided, single submitter. Criteria: ACMG Guidelines, 2015. Collection method: clinical testing. Allele origin: germline.
Comment: The SIM1 c.908G>T variant is predicted to result in the amino acid substitution p.Gly303Val. To our knowledge, this variant has not been reported in the literature or in a large population database (gnomAD), indicating this variant is rare. At this time, the clinical significance of this variant is uncertain due to the absence of conclusive functional and genetic evidence.

NM_005068.3(SIM1):c.908G>T (p.Gly303Val)

Gene: SIM1 (SIM bHLH transcription factor 1; minus strand). Cytogenetic location: 6q16.3.
Variant type: single nucleotide variant.
Coding change: c.908G>T on transcript NM_005068.3 (MANE Select); coding-DNA position 908, G replaced by T.
Protein change: p.Gly303Val; replaces glycine 303 with valine.
Molecular consequence: missense variant.
Genome position (GRCh38, 1-based): chr6:100,447,358, C>A on the plus strand (G>T on the coding strand, the complement: SIM1 is on the minus strand). VCF-style: chr6-100447358-C-A. GRCh37 (hg19) VCF-style: chr6-100895234-C-A.
Other names: c.908G>T, p.Gly303Val (NM_001374769.1); short protein forms G303V.
Identifiers: ClinVar variation 5001678 (VCV005001678.1).